The following is an entry in ClinVar:

ClinVar aggregate classification (germline): Uncertain significance (0 of 4 stars; one submission).

Conditions:
SLC27A5-related disorder. Also called: SLC27A5-related condition.

Submission:

PreventionGenetics, part of Exact Sciences
Classification: Uncertain significance for SLC27A5-related condition. Last evaluated: 2024-04-04. Review status: no assertion criteria provided. Collection method: clinical testing. Allele origin: germline.
Comment: The SLC27A5 c.1060G>A variant is predicted to result in the amino acid substitution p.Ala354Thr. To our knowledge, this variant has not been reported in the literature or in a large population database, indicating this variant is rare. At this time, the clinical significance of this variant is uncertain due to the absence of conclusive functional and genetic evidence.

NM_012254.3(SLC27A5):c.1060G>A (p.Ala354Thr)

Gene: SLC27A5 (solute carrier family 27 member 5; minus strand). Cytogenetic location: 19q13.43.
Variant type: single nucleotide variant.
Coding change: c.1060G>A on transcript NM_012254.3 (MANE Select); coding-DNA position 1060, G replaced by A.
Protein change: p.Ala354Thr; replaces alanine 354 with threonine.
Molecular consequence: missense variant.
Genome position (GRCh38, 1-based): chr19:58,501,408, C>T on the plus strand (G>A on the coding strand, the complement: SLC27A5 is on the minus strand). VCF-style: chr19-58501408-C-T. GRCh37 (hg19) VCF-style: chr19-59012775-C-T.
Other names: c.808G>A, p.Ala270Thr (NM_001321196.2); short protein forms A270T, A354T.
Identifiers: ClinVar variation 3344308 (VCV003344308.1).
Genomic context (GRCh38, chr19:58,501,408, plus strand): 5'-GCTGCCGACAGTCATCCCAGAAGCAGGAAGTAGAGAACTTGGGGGCCAGAACACAGGTGG[C>T]TCCTGGGAGATGACAGGAGAGGGGGTTTCAGGTCATGCTTCCAAATTGTTGTAAGAAGCT-3'
Protein context (NP_036386.1, residues 344-364): VGILGCLDLG[Ala354Thr]TCVLAPKFST